The following is an entry in ClinVar:

NM_016263.4(FZR1):c.347G>T (p.Arg116Met)

Gene: FZR1 (fizzy and cell division cycle 20 related 1; plus strand). Cytogenetic location: 19p13.3.
Variant type: single nucleotide variant.
Coding change: c.347G>T on transcript NM_016263.4 (MANE Select); coding-DNA position 347, G replaced by T.
Protein change: p.Arg116Met; replaces arginine 116 with methionine.
Molecular consequence: missense variant.
Genome position (GRCh38, 1-based): chr19:3,526,346, G>T. VCF-style: chr19-3526346-G-T. GRCh37 (hg19) VCF-style: chr19-3526344-G-T.
Other names: c.347G>T, p.Arg116Met (NM_001136197.1, NM_001136198.1); short protein forms R116M.
Identifiers: ClinVar variation 3348105 (VCV003348105.1).
Genomic context (GRCh38, chr19:3,526,346, plus strand): 5'-AGAATGAGCTGCTGGGTGCCGGCATCGAGAAGGTGCAGGACCCGCAGACTGAGGACCGCA[G>T]GCTGCAGCCCTCCACGCCTGAGAAGAAGGGTCTGTTCACGGTAAGCCTGCGGCACCCCCC-3'
Protein context (NP_057347.2, residues 106-126): KVQDPQTEDR[Arg116Met]LQPSTPEKKG

ClinVar aggregate classification (germline): Uncertain significance (0 of 4 stars; one submission).

Conditions:
FZR1-related condition.

Submission:

PreventionGenetics, part of Exact Sciences
Classification: Uncertain significance for FZR1-related condition. Last evaluated: 2024-05-09. Review status: no assertion criteria provided. Collection method: clinical testing. Allele origin: germline.
Comment: The FZR1 c.347G>T variant is predicted to result in the amino acid substitution p.Arg116Met. To our knowledge, this variant has not been reported in the literature. This variant is reported in 0.0017% of alleles in individuals of European (Non-Finnish) descent in gnomAD. At this time, the clinical significance of this variant is uncertain due to the absence of conclusive functional and genetic evidence.